The following is an entry in ClinVar:

ClinVar aggregate classification (germline): Likely pathogenic (1 of 4 stars; one submission).

Submission:

GeneDx
Classification: Likely pathogenic. Last evaluated: 2026-09-24. Review status: criteria provided, single submitter. Criteria: GeneDx Variant Classification Process June 2021. Collection method: clinical testing. Allele origin: germline.
Comment: Canonical splice site variant predicted to result in an in-frame loss of the adjacent exon in a gene for which loss of function is a known mechanism of disease; Not observed at significant frequency in large population cohorts (gnomAD); Has not been previously published as pathogenic or benign to our knowledge

NM_000214.3(JAG1):c.1886-1G>A

Gene: JAG1 (jagged canonical Notch ligand 1; minus strand). Cytogenetic location: 20p12.2.
Variant type: single nucleotide variant.
Coding change: c.1886-1G>A on transcript NM_000214.3 (MANE Select); the canonical splice acceptor site of the intron before coding-DNA position 1886, G replaced by A.
Molecular consequence: splice acceptor variant.
Genome position (GRCh38, 1-based): chr20:10,646,085, C>T on the plus strand (G>A on the coding strand, the complement: JAG1 is on the minus strand). VCF-style: chr20-10646085-C-T. GRCh37 (hg19) VCF-style: chr20-10626733-C-T.
Identifiers: ClinVar variation 4818899 (VCV004818899.2).